The following is an entry in ClinVar:

ClinVar aggregate classification (germline): Uncertain significance (1 of 4 stars; one submission).

Submission:

GeneDx
Classification: Uncertain significance. Last evaluated: 2026-03-06. Review status: criteria provided, single submitter. Criteria: GeneDx Variant Classification Process June 2021. Collection method: clinical testing. Allele origin: germline.
Comment: Not observed at significant frequency in large population cohorts (gnomAD); In silico analysis suggests that this missense variant does not alter protein structure/function; Has not been previously published as pathogenic or benign to our knowledge

NM_001330360.2(POLA1):c.1643T>G (p.Phe548Cys)

Gene: POLA1 (DNA polymerase alpha 1, catalytic subunit; plus strand). Cytogenetic location: Xp22.11.
Variant type: single nucleotide variant.
Coding change: c.1643T>G on transcript NM_001330360.2 (MANE Select); coding-DNA position 1643, T replaced by G.
Protein change: p.Phe548Cys; replaces phenylalanine 548 with cysteine.
Molecular consequence: missense variant. On other transcripts: non-coding transcript variant (2).
Genome position (GRCh38, 1-based): chrX:24,727,893, T>G. VCF-style: chrX-24727893-T-G. GRCh37 (hg19) VCF-style: chrX-24746010-T-G.
Other names: c.1568T>G, p.Phe523Cys (NM_001378303.1); c.1643T>G, p.Phe548Cys (NM_001440806.1); c.1625T>G, p.Phe542Cys (NM_016937.4); short protein forms F523C, F548C, F542C.
Identifiers: ClinVar variation 5008465 (VCV005008465.1).